The following is an entry in ClinVar:

NM_001286.5(CLCN6):c.164G>A (p.Arg55His)

Gene: CLCN6 (chloride voltage-gated channel 6; plus strand). Cytogenetic location: 1p36.22.
Variant type: single nucleotide variant.
Coding change: c.164G>A on transcript NM_001286.5 (MANE Select); coding-DNA position 164, G replaced by A.
Protein change: p.Arg55His; replaces arginine 55 with histidine.
Molecular consequence: missense variant. On other transcripts: non-coding transcript variant (1), intron variant (1).
Genome position (GRCh38, 1-based): chr1:11,815,862, G>A. VCF-style: chr1-11815862-G-A. GRCh37 (hg19) VCF-style: chr1-11875919-G-A.
Other names: c.148-753G>A (NM_001256959.2); short protein forms R55H.
Identifiers: ClinVar variation 2876803 (VCV002876803.3), dbSNP rs1468963135, ClinGen allele CA338425414.
Genomic context (GRCh38, chr1:11,815,862, plus strand): 5'-TCTCACCTGACATGACCTTTTGACTCAACTTTGCCTCTTTTCAGAGTTTGGATTATGATC[G>A]CTGTATCAATGACCCTTACCTGGAAGTTTTGGAGACCATGGATAATAAGGTGGGTCTTAC-3'
Protein context (NP_001277.2, residues 45-65): RKDYESLDYD[Arg55His]CINDPYLEVL

ClinVar aggregate classification (germline): Uncertain significance (1 of 4 stars; one submission).

Allele frequency attached by ClinVar (database versions not stated): gnomAD exomes 0.00001.
gnomAD v4.1: 8 of 1,613,576 alleles (0.0005%); highest among the groups gnomAD compares: East Asian, 0.0022%; no homozygotes.

Submission:

Labcorp Genetics (formerly Invitae), Labcorp
Classification: Uncertain significance. Last evaluated: 2024-01-22. Review status: criteria provided, single submitter. Criteria: Invitae Variant Classification Sherloc (09022015). Collection method: clinical testing. Allele origin: germline.
Comment: This sequence change replaces arginine, which is basic and polar, with histidine, which is basic and polar, at codon 55 of the CLCN6 protein (p.Arg55His). The frequency data for this variant in the population databases is considered unreliable, as metrics indicate poor data quality at this position in the gnomAD database. This variant has not been reported in the literature in individuals affected with CLCN6-related conditions. An algorithm developed to predict the effect of missense changes on protein structure and function (PolyPhen-2) suggests that this variant is likely to be tolerated. In summary, the available evidence is currently insufficient to determine the role of this variant in disease. Therefore, it has been classified as a Variant of Uncertain Significance.